The following is an entry in ClinVar:

ClinVar aggregate classification (germline): Conflicting classifications of pathogenicity. Review status: criteria provided, conflicting classifications (1 of 4 stars). 2 submissions from 2 submitters: Uncertain significance (1); Likely benign (1). Last evaluated 2025-05-25.

Conditions:
Congenital contractural arachnodactyly (CCA). Also called: BEALS SYNDROME; Beals-Hecht syndrome; Arthrogryposis, distal, type 9. Identifiers: Orphanet 115, MedGen C0220668, MONDO:0007363, OMIM 121050.
Familial thoracic aortic aneurysm and aortic dissection (TAAD). Also called: Thoracic aortic aneurysms and dissections. Identifiers: Orphanet 91387, MedGen C4707243, MONDO:0019625.

Allele frequency attached by ClinVar (database versions not stated): gnomAD exomes below 0.00001 and 0.00002; TOPMed 0.00001; ExAC 0.00002.
gnomAD v4.1: 9 of 1,614,068 alleles (0.00056%); highest among the groups gnomAD compares: East Asian, 0.013%; no homozygotes.

Submissions (2):

Ambry Genetics
Classification: Uncertain significance for Familial thoracic aortic aneurysm and aortic dissection. Last evaluated: 2025-05-25. Review status: criteria provided, single submitter. Criteria: Ambry Variant Classification Scheme 2023. Collection method: clinical testing. Allele origin: germline.
Comment: The p.D1319E variant (also known as c.3957C>G), located in coding exon 30 of the FBN2 gene, results from a C to G substitution at nucleotide position 3957. The aspartic acid at codon 1319 is replaced by glutamic acid, an amino acid with highly similar properties. This amino acid position is highly conserved in available vertebrate species. In addition, the in silico prediction for this alteration is inconclusive. Based on the available evidence, the clinical significance of this variant remains unclear.

Labcorp Genetics (formerly Invitae), Labcorp
Classification: Likely benign for Congenital contractural arachnodactyly. Last evaluated: 2023-12-04. Review status: criteria provided, single submitter. Criteria: Invitae Variant Classification Sherloc (09022015). Collection method: clinical testing. Allele origin: germline.

NM_001999.4(FBN2):c.3957C>G (p.Asp1319Glu)

Gene: FBN2 (fibrillin 2; minus strand). Cytogenetic location: 5q23.3.
Variant type: single nucleotide variant.
Coding change: c.3957C>G on transcript NM_001999.4 (MANE Select); coding-DNA position 3957, C replaced by G.
Protein change: p.Asp1319Glu; replaces aspartic acid 1319 with glutamic acid.
Molecular consequence: missense variant.
Genome position (GRCh38, 1-based): chr5:128,335,186, G>C on the plus strand (C>G on the coding strand, the complement: FBN2 is on the minus strand). VCF-style: chr5-128335186-G-C. GRCh37 (hg19) VCF-style: chr5-127670878-G-C.
Other names: c.3957C>G (NM_001999.3); short protein forms D1319E.
Identifiers: ClinVar variation 1044078 (VCV001044078.10), dbSNP rs769665538, ClinGen allele CA3395098.